The following is an entry in ClinVar:

NM_152743.4(BRAT1):c.1135-5C>T

Gene: BRAT1 (BRCA1 associated ATM activator 1; minus strand). Cytogenetic location: 7p22.3.
Variant type: single nucleotide variant.
Coding change: c.1135-5C>T on transcript NM_152743.4 (MANE Select); 5 bases into the intron before coding-DNA position 1135, C replaced by T.
Molecular consequence: intron variant.
Genome position (GRCh38, 1-based): chr7:2,541,489, G>A on the plus strand (C>T on the coding strand, the complement: BRAT1 is on the minus strand). VCF-style: chr7-2541489-G-A. GRCh37 (hg19) VCF-style: chr7-2581123-G-A.
Other names: c.610-5C>T (NM_001350627.2); c.1135-5C>T (NM_001350626.2).
Identifiers: ClinVar variation 472930 (VCV000472930.11), dbSNP rs374463976, ClinGen allele CA4127899.
Genomic context (GRCh38, chr7:2,541,489, plus strand): 5'-ACAGTCACTGTAGCCCCCAGTAGAGACGCCTGGGGCCACGGTGAAGGGCGCTGGGGCTGC[G>A]AGGAAGAGGGCCGTCAGCCAAGGTTGCGGTCCCACTGCCGGCGTGGATGCAGGGGTGCTG-3'

ClinVar aggregate classification (germline): Conflicting classifications of pathogenicity. Review status: criteria provided, conflicting classifications (1 of 4 stars). 2 submissions from 2 submitters: Uncertain significance (1); Likely benign (1). Last evaluated 2026-01-05.

Conditions:
Neonatal-onset encephalopathy with rigidity and seizures. Also called: Lethal neonatal spasticity-epileptic encephalopathy syndrome. Identifiers: Orphanet 435845, MedGen C3281029, MONDO:0013784, OMIM 614498.
Inborn genetic diseases. Identifiers: MedGen C0950123, MeSH D030342.

Allele frequency attached by ClinVar (database versions not stated): gnomAD exomes 0.00005 and 0.00006; ESP Exome Variant Server 0.00016; ExAC 0.00017; TOPMed 0.00023; gnomAD 0.00029.
gnomAD v4.1: 107 of 1,527,838 alleles (0.007%); highest among the groups gnomAD compares: African/African-American, 0.066%; no homozygotes.

Submissions (2):

Labcorp Genetics (formerly Invitae), Labcorp
Classification: Likely benign for Neonatal-onset encephalopathy with rigidity and seizures. Last evaluated: 2026-01-05. Review status: criteria provided, single submitter. Criteria: Invitae Variant Classification Sherloc (09022015). Collection method: clinical testing. Allele origin: germline.

Ambry Genetics
Classification: Uncertain significance for Inborn genetic diseases. Last evaluated: 2021-05-20. Review status: criteria provided, single submitter. Criteria: Ambry Variant Classification Scheme 2023. Collection method: clinical testing. Allele origin: germline.
Comment: The c.1135-5C>T intronic alteration consists of a C to T substitution 5 nucleotides before exon 9 (coding exon 8) of the BRAT1 gene. Based on insufficient or conflicting evidence, the clinical significance of this alteration remains unclear.